The following is an entry in ClinVar:

NM_130837.3(OPA1):c.1805C>A (p.Ala602Glu)

Genes: OPA1 (OPA1 mitochondrial dynamin like GTPase; plus strand), LOC126806913 (BRD4-independent group 4 enhancer GRCh37_chr3:193364377-193365576; plus strand). Cytogenetic location: 3q29.
Variant type: single nucleotide variant.
Coding change: c.1805C>A on transcript NM_130837.3 (MANE Select); coding-DNA position 1805, C replaced by A.
Protein change: p.Ala602Glu; replaces alanine 602 with glutamic acid.
Molecular consequence: missense variant.
Genome position (GRCh38, 1-based): chr3:193,647,115, C>A. VCF-style: chr3-193647115-C-A. GRCh37 (hg19) VCF-style: chr3-193364904-C-A.
Other names: c.1271C>A, p.Ala424Glu (NM_001354663.2); c.1268C>A, p.Ala423Glu (NM_001354664.2); c.1640C>A, p.Ala547Glu (NM_015560.3); c.1532C>A, p.Ala511Glu (NM_130831.3); c.1586C>A, p.Ala529Glu (NM_130832.3); c.1643C>A, p.Ala548Glu (NM_130833.3); c.1694C>A, p.Ala565Glu (NM_130834.3); c.1697C>A, p.Ala566Glu (NM_130835.3); and 1 more; short protein forms A584E, A423E, A424E, A548E, A565E, A566E, A602E, A511E.
Identifiers: ClinVar variation 2203484 (VCV002203484.5), dbSNP rs2474921637, ClinGen allele CA355790452.

ClinVar aggregate classification (germline): Uncertain significance. Review status: criteria provided, multiple submitters, no conflicts (2 of 4 stars). 2 submissions from 2 submitters: Uncertain significance (2). Last evaluated 2026-09-23.

gnomAD v4.1: 1 of 1,613,318 alleles (0.000062%); highest among the groups gnomAD compares: Non-Finnish European, 0.000085%; no homozygotes.

Submissions (2):

GeneDx
Classification: Uncertain significance. Last evaluated: 2026-09-23. Review status: criteria provided, single submitter. Criteria: GeneDx Variant Classification Process June 2021. Collection method: clinical testing. Allele origin: germline.
Comment: Observed with a second OPA1 variant in a patient from a cohort with bilateral optic atrophy, but it is not known whether the variants occurred on the same (in cis) or on different (in trans) chromosomes (PMID: 27860320); Not observed at significant frequency in large population cohorts (gnomAD); In silico analysis supports that this missense variant has a deleterious effect on protein structure/function; This variant is associated with the following publications: (PMID: 27860320)

Labcorp Genetics (formerly Invitae), Labcorp
Classification: Uncertain significance. Last evaluated: 2022-04-04. Review status: criteria provided, single submitter. Criteria: Invitae Variant Classification Sherloc (09022015). Collection method: clinical testing. Allele origin: germline.
Comment: This sequence change replaces alanine, which is neutral and non-polar, with glutamic acid, which is acidic and polar, at codon 547 of the OPA1 protein (p.Ala547Glu). This variant is not present in population databases (gnomAD no frequency). This missense change has been observed in individual(s) with optic atrophy (PMID: 27860320). This variant is also known as c.1805C>A (p.Ala602Glu). Advanced modeling of protein sequence and biophysical properties (such as structural, functional, and spatial information, amino acid conservation, physicochemical variation, residue mobility, and thermodynamic stability) performed at Invitae indicates that this missense variant is expected to disrupt OPA1 protein function. In summary, the available evidence is currently insufficient to determine the role of this variant in disease. Therefore, it has been classified as a Variant of Uncertain Significance.

Literature cited by the submitters: PubMed 27860320 (cited by Labcorp Genetics (formerly Invitae), Labcorp).